The following is an entry in ClinVar:

ClinVar aggregate classification (germline): Uncertain significance (1 of 4 stars; one submission).

Conditions:
Fanconi anemia complementation group O. Also called: RAD51C-Related Fanconi Anemia. Identifiers: Orphanet 84, MedGen C3150653, MONDO:0013248, OMIM 613390.

Submission:

Labcorp Genetics (formerly Invitae), Labcorp
Classification: Uncertain significance for Fanconi anemia complementation group O. Last evaluated: 2024-03-28. Review status: criteria provided, single submitter. Criteria: Invitae Variant Classification Sherloc (09022015). Collection method: clinical testing. Allele origin: germline.
Comment: This sequence change replaces alanine, which is neutral and non-polar, with aspartic acid, which is acidic and polar, at codon 245 of the RAD51C protein (p.Ala245Asp). This variant is not present in population databases (gnomAD no frequency). This variant has not been reported in the literature in individuals affected with RAD51C-related conditions. Advanced modeling of protein sequence and biophysical properties (such as structural, functional, and spatial information, amino acid conservation, physicochemical variation, residue mobility, and thermodynamic stability) performed at Invitae indicates that this missense variant is expected to disrupt RAD51C protein function with a positive predictive value of 80%. In summary, the available evidence is currently insufficient to determine the role of this variant in disease. Therefore, it has been classified as a Variant of Uncertain Significance.

NM_058216.3(RAD51C):c.734C>A (p.Ala245Asp)

Gene: RAD51C (RAD51 paralog C; plus strand). Cytogenetic location: 17q22.
Variant type: single nucleotide variant.
Coding change: c.734C>A on transcript NM_058216.3 (MANE Select); coding-DNA position 734, C replaced by A.
Protein change: p.Ala245Asp; replaces alanine 245 with aspartic acid.
Molecular consequence: missense variant. On other transcripts: non-coding transcript variant (1).
Genome position (GRCh38, 1-based): chr17:58,709,887, C>A. VCF-style: chr17-58709887-C-A. GRCh37 (hg19) VCF-style: chr17-56787248-C-A.
Other names: short protein forms A245D.
Identifiers: ClinVar variation 3619867 (VCV003619867.2).